The following is an entry in ClinVar:

ClinVar aggregate classification (germline): Uncertain significance. Review status: criteria provided, multiple submitters, no conflicts (2 of 4 stars). 2 submissions from 2 submitters: Uncertain significance (2). Last evaluated 2022-01-05.

Conditions:
Fanconi-Bickel syndrome (FBS). Also called: HEPATIC GLYCOGENOSIS WITH AMINO ACIDURIA AND GLUCOSURIA; HEPATIC GLYCOGENOSIS WITH FANCONI NEPHROPATHY; HEPATORENAL GLYCOGENOSIS WITH RENAL FANCONI SYNDROME; PSEUDO-PHLORIZIN DIABETES; FANCONI SYNDROME WITH INTESTINAL MALABSORPTION AND GALACTOSE INTOLERANCE; Glycogen storage disease due to GLUT2 deficiency. Identifiers: Orphanet 2088, MedGen C3495427, MONDO:0009216, OMIM 227810.

Submissions (2):

Labcorp Genetics (formerly Invitae), Labcorp
Classification: Uncertain significance for Fanconi-Bickel syndrome. Last evaluated: 2022-01-05. Review status: criteria provided, single submitter. Criteria: Invitae Variant Classification Sherloc (09022015). Collection method: clinical testing. Allele origin: germline.
Comment: This variant has been observed in individual(s) with clinical features of Fanconi-Bickel syndrome (Invitae). In at least one individual the data is consistent with being in trans (on the opposite chromosome) from a pathogenic variant. In summary, the available evidence is currently insufficient to determine the role of this variant in disease. Therefore, it has been classified as a Variant of Uncertain Significance. Variants that disrupt the consensus splice site are a relatively common cause of aberrant splicing (PMID: 17576681, 9536098). Algorithms developed to predict the effect of sequence changes on RNA splicing suggest that this variant may disrupt the consensus splice site. This variant is not present in population databases (gnomAD no frequency). This sequence change falls in intron 10 of the SLC2A2 gene. It does not directly change the encoded amino acid sequence of the SLC2A2 protein. It affects a nucleotide within the consensus splice site.

Blueprint Genetics
Classification: Uncertain significance. Last evaluated: 2021-10-25. Review status: criteria provided, single submitter. Criteria: ACMG Guidelines, 2015. Collection method: clinical testing. Allele origin: germline.

Literature cited by the submitters: PubMed 17576681 (cited by Labcorp Genetics (formerly Invitae), Labcorp); PubMed 9536098 (cited by Labcorp Genetics (formerly Invitae), Labcorp).

NM_000340.2(SLC2A2):c.1373_1374+2dup

Gene: SLC2A2 (solute carrier family 2 member 2; minus strand). Cytogenetic location: 3q26.2.
Variant type: Duplication.
Coding change: c.1373_1374+2dup on transcript NM_000340.2 (MANE Select); coding-DNA position 1373 through the canonical splice donor site of the intron after coding-DNA position 1374, 4 bases duplicated (CGGT; older notation c.1373_1374+2dupCGGT).
Molecular consequence: splice donor variant.
Genome position (GRCh38, 1-based): chr3:170,998,191-170,998,194, ACCG duplicated on the plus strand (CGGT on the coding strand, the reverse complement: SLC2A2 is on the minus strand). VCF-style (leftmost placement, unchanged base first): chr3-170998190-T-TACCG. GRCh37 (hg19) VCF-style: chr3-170715979-T-TACCG.
Other names: c.1016_1017+2dup (NM_001278658.2); c.854_855+2dup (NM_001278659.2).
Identifiers: ClinVar variation 1502077 (VCV001502077.7), dbSNP rs2108232881, ClinGen allele CA2573136679.